The following is an entry in ClinVar:

NM_001042492.3(NF1):c.2257G>A (p.Ala753Thr)

Gene: NF1 (neurofibromin 1; plus strand). Cytogenetic location: 17q11.2.
Variant type: single nucleotide variant.
Coding change: c.2257G>A on transcript NM_001042492.3 (MANE Select); coding-DNA position 2257, G replaced by A.
Protein change: p.Ala753Thr; replaces alanine 753 with threonine.
Molecular consequence: missense variant.
Genome position (GRCh38, 1-based): chr17:31,227,223, G>A. VCF-style: chr17-31227223-G-A. GRCh37 (hg19) VCF-style: chr17-29554241-G-A.
Other names: p.Ala753Thr; c.2257G>A, p.Ala753Thr (NM_000267.4); short protein forms A753T.
Identifiers: ClinVar variation 237533 (VCV000237533.20), dbSNP rs758325102, ClinGen allele CA8485941.
Genomic context (GRCh38, chr17:31,227,223, plus strand): 5'-ATTGGCAGGCAGGGCTCTAAGTGCAGTAACTTGATTTGCTGTTGTATTTGCTTAGGAAGA[G>A]CAGCACTTCAGAAAAGAGTGATGGCACTGCTGAGGCGCATTGAGCATCCCACTGCAGGAA-3'
Protein context (NP_001035957.1, residues 743-763): SVSNMMSTGR[Ala753Thr]ALQKRVMALL

ClinVar aggregate classification (germline): Conflicting classifications of pathogenicity. Review status: criteria provided, conflicting classifications (1 of 4 stars). 7 submissions from 7 submitters: Uncertain significance (4); Benign (1); Likely benign (2). Last evaluated 2025-12-24.

Conditions:
Cardiovascular phenotype. Identifiers: MedGen CN230736.
Hereditary cancer-predisposing syndrome. Also called: Tumor predisposition; Hereditary Cancer Syndrome; Hereditary neoplastic syndrome; Neoplastic Syndromes, Hereditary. Identifiers: Orphanet 140162, MedGen C0027672, MeSH D009386, MONDO:0015356.
Neurofibromatosis, type 1 (NF1). Also called: VON RECKLINGHAUSEN DISEASE; NEUROFIBROMATOSIS, TYPE I, SOMATIC; Peripheral type neurofibromatosis; Neurofibromatosis, type I. Identifiers: Orphanet 636, MedGen C0027831, MONDO:0018975, OMIM 162200. Disease mechanism: loss of function.
Neurofibromatosis, familial spinal (FSNF). Identifiers: Orphanet 636, MedGen C1834235, MONDO:0008078, OMIM 162210. Disease mechanism: loss of function.
Juvenile myelomonocytic leukemia (JMML). Also called: LEUKEMIA, JUVENILE MYELOMONOCYTIC, SOMATIC. Identifiers: Orphanet 86834, MedGen C0349639, MONDO:0011908, OMIM 607785, HP:0012209.
Neurofibromatosis-Noonan syndrome (NFNS). Also called: NEUROFIBROMATOSIS WITH NOONAN PHENOTYPE. Identifiers: Orphanet 638, MedGen C2931482, MONDO:0011035, OMIM 601321. Disease mechanism: loss of function.
Café-au-lait macules with pulmonary stenosis (WTSN). Also called: PULMONIC STENOSIS WITH CAFE-AU-LAIT SPOTS. Identifiers: MedGen C0553586, MONDO:0008672, OMIM 193520.

Allele frequency attached by ClinVar (database versions not stated): ExAC 0.00001; gnomAD exomes 0.00001.
gnomAD v4.1: 15 of 1,613,638 alleles (0.00093%); highest among the groups gnomAD compares: African/African-American, 0.0013%; no homozygotes.

Submissions (7):

Labcorp Genetics (formerly Invitae), Labcorp
Classification: Benign for Neurofibromatosis, type 1. Last evaluated: 2025-12-24. Review status: criteria provided, single submitter. Criteria: Invitae Variant Classification Sherloc (09022015). Collection method: clinical testing. Allele origin: germline.

Women's Health and Genetics/Laboratory Corporation of America, LabCorp
Classification: Uncertain significance. Last evaluated: 2024-04-02. Review status: criteria provided, single submitter. Criteria: LabCorp Variant Classification Summary - May 2015. Collection method: clinical testing. Allele origin: germline.
Comment: Variant summary: NF1 c.2257G>A (p.Ala753Thr) results in a non-conservative amino acid change in the encoded protein sequence. Three of five in-silico tools predict a benign effect of the variant on protein function. The variant allele was found at a frequency of 8e-06 in 250628 control chromosomes. The available data on variant occurrences in the general population are insufficient to allow any conclusion about variant significance. To our knowledge, no occurrence of c.2257G>A in individuals affected with Neurofibromatosis Type 1 and no experimental evidence demonstrating its impact on protein function have been reported. ClinVar contains an entry for this variant (Variation ID: 237533). Based on the evidence outlined above, the variant was classified as uncertain significance.

Fulgent Genetics
Classification: Likely benign for Neurofibromatosis, type 1; Neurofibromatosis, familial spinal; Café-au-lait macules with pulmonary stenosis; Neurofibromatosis-Noonan syndrome; Juvenile myelomonocytic leukemia. Last evaluated: 2024-03-19. Review status: criteria provided, single submitter. Criteria: ACMG Guidelines, 2015. Collection method: clinical testing. Allele origin: germline.

Mayo Clinic Laboratories, Mayo Clinic
Classification: Uncertain significance. Last evaluated: 2023-01-30. Review status: criteria provided, single submitter. Criteria: ACMG Guidelines, 2015. Collection method: clinical testing. Allele origin: germline. Observed: 3 variant alleles.
Comment: BP4, PM2

Ambry Genetics
Classification: Likely benign for Cardiovascular phenotype; Hereditary cancer-predisposing syndrome. Last evaluated: 2023-01-03. Review status: criteria provided, single submitter. Criteria: Ambry Variant Classification Scheme 2023. Collection method: clinical testing. Allele origin: germline.

Genome-Nilou Lab
Classification: Uncertain significance for Neurofibromatosis, type 1. Last evaluated: 2022-03-15. Review status: criteria provided, single submitter. Criteria: ACMG Guidelines, 2015. Collection method: clinical testing. Allele origin: germline. Affected: no.

Baylor Genetics
Classification: Uncertain significance for Neurofibromatosis, type 1. Last evaluated: 2019-04-03. Review status: criteria provided, single submitter. Criteria: ACMG Guidelines, 2015. Collection method: clinical testing. Allele origin: maternal. Affected: yes. Study: CSER-TexasKidsCanSeq.
Comment: This variant was determined to be of uncertain significance according to ACMG Guidelines, 2015 [PMID:25741868].

Literature cited by the submitters: PubMed 10678181 (cited by Women's Health and Genetics/Laboratory Corporation of America, LabCorp); PubMed 23460398 (cited by Women's Health and Genetics/Laboratory Corporation of America, LabCorp); PubMed 29872168 (cited by Women's Health and Genetics/Laboratory Corporation of America, LabCorp).